The following is an entry in ClinVar:

NM_000051.4(ATM):c.1425A>G (p.Ser475=)

Gene: ATM (ATM serine/threonine kinase; plus strand). Cytogenetic location: 11q22.3.
Variant type: single nucleotide variant.
Coding change: c.1425A>G on transcript NM_000051.4 (MANE Select); coding-DNA position 1425, A replaced by G.
Protein change: p.Ser475=; no amino-acid change (serine 475 retained).
Molecular consequence: synonymous variant.
Genome position (GRCh38, 1-based): chr11:108,250,890, A>G. VCF-style: chr11-108250890-A-G. GRCh37 (hg19) VCF-style: chr11-108121617-A-G.
Other names: c.1425A>G (NM_000051.3); c.1425A>G, p.Ser475= (NM_001351834.2).
Identifiers: ClinVar variation 1101796 (VCV001101796.11), dbSNP rs2080105606, ClinGen allele CA476744827.
Genomic context (GRCh38, chr11:108,250,890, plus strand): 5'-GTTACGATGCCTTACGGAAGTTGCATTGTGTCAAGACAAGAGGTCAAACCTAGAAAGCTC[A>G]CAAAAGTCAGATTTATTAAAACTCTGGAATAAAATTTGGTGTATTACCTTTCGTGGTATA-3'
Protein context (NP_000042.3, residues 465-485): CQDKRSNLES[Ser475=]QKSDLLKLWN

ClinVar aggregate classification (germline): Benign/Likely benign. Review status: criteria provided, multiple submitters, no conflicts (2 of 4 stars). 3 submissions from 3 submitters: Benign (1); Likely benign (2). Last evaluated 2024-04-29.

Conditions:
Familial cancer of breast. Also called: hereditary breast carcinoma; Hereditary breast cancer; BREAST CANCER, FAMILIAL. Identifiers: Orphanet 227535, MedGen C0346153, MONDO:0016419, OMIM 114480. Disease mechanism: loss of function.
Ataxia-telangiectasia syndrome (AT). Also called: Cerebello-oculocutaneous telangiectasia; Immunodeficiency with ataxia telangiectasia; Ataxia-telangiectasia, complementation group D; AT, COMPLEMENTATION GROUP C; ATAXIA-TELANGIECTASIA, COMPLEMENTATION GROUP A; ATAXIA-TELANGIECTASIA, FRESNO VARIANT. Identifiers: Orphanet 100, MedGen C0004135, MONDO:0008840, OMIM 208900.
Hereditary cancer-predisposing syndrome. Also called: Neoplastic Syndromes, Hereditary; Hereditary neoplastic syndrome; Hereditary Cancer Syndrome; Tumor predisposition. Identifiers: Orphanet 140162, MedGen C0027672, MeSH D009386, MONDO:0015356.

Allele frequency attached by ClinVar (database versions not stated): gnomAD exomes below 0.00001.
gnomAD v4.1: 3 of 1,611,774 alleles (0.00019%); highest among the groups gnomAD compares: Non-Finnish European, 0.00025%; no homozygotes.

Submissions (3):

Myriad Genetics, Inc.
Classification: Benign for Familial cancer of breast. Last evaluated: 2024-04-29. Review status: criteria provided, single submitter. Criteria: Myriad Autosomal Dominant, Autosomal Recessive and X-Linked Classification Criteria (2023). Collection method: clinical testing. Allele origin: unknown.
Comment: This variant is considered benign. This variant is a silent/synonymous amino acid change and it is not expected to impact splicing.

Ambry Genetics
Classification: Likely benign for Hereditary cancer-predisposing syndrome. Last evaluated: 2023-10-20. Review status: criteria provided, single submitter. Criteria: Ambry Variant Classification Scheme 2023. Collection method: clinical testing. Allele origin: germline.

Labcorp Genetics (formerly Invitae), Labcorp
Classification: Likely benign for Ataxia-telangiectasia syndrome. Last evaluated: 2020-09-09. Review status: criteria provided, single submitter. Criteria: Invitae Variant Classification Sherloc (09022015). Collection method: clinical testing. Allele origin: germline.